The following is an entry in ClinVar:

ClinVar aggregate classification (germline): Uncertain significance (1 of 4 stars; one submission).

Submission:

Ambry Genetics
Classification: Uncertain significance. Last evaluated: 2022-04-20. Review status: criteria provided, single submitter. Criteria: Ambry Variant Classification Scheme 2023. Collection method: clinical testing. Allele origin: germline.
Comment: The p.I432M variant (also known as c.1296T>G), located in coding exon 3 of the ALPK2 gene, results from a T to G substitution at nucleotide position 1296. The isoleucine at codon 432 is replaced by methionine, an amino acid with highly similar properties. This amino acid position is conserved. In addition, this alteration is predicted to be tolerated by in silico analysis. Since supporting evidence is limited at this time, the clinical significance of this alteration remains unclear.

NM_052947.4(ALPK2):c.1296T>G (p.Ile432Met)

Gene: ALPK2 (alpha kinase 2; minus strand). Cytogenetic location: 18q21.31.
Variant type: single nucleotide variant.
Coding change: c.1296T>G on transcript NM_052947.4 (MANE Select); coding-DNA position 1296, T replaced by G.
Protein change: p.Ile432Met; replaces isoleucine 432 with methionine.
Molecular consequence: missense variant.
Genome position (GRCh38, 1-based): chr18:58,579,480, A>C on the plus strand (T>G on the coding strand, the complement: ALPK2 is on the minus strand). VCF-style: chr18-58579480-A-C. GRCh37 (hg19) VCF-style: chr18-56246712-A-C.
Other names: short protein forms I432M.
Identifiers: ClinVar variation 1769233 (VCV001769233.3), dbSNP rs2518899192, ClinGen allele CA402563624.
Genomic context (GRCh38, chr18:58,579,480, plus strand): 5'-GGGGAGTTTATATCTCCCCTGTTCTGTCACTGAAGACGTTCCATCCTGGTGAGGTCCCAA[A>C]ATGAGAGTCATCCCTGTTTGTGGGGATGAGGGACCGTGCTTGGAGACTCTGCTGCTCCTC-3'
Protein context (NP_443179.3, residues 422-442): PSSPQTGMTL[Ile432Met]LGPHQDGTSS